The following is an entry in ClinVar:

NM_002230.4(JUP):c.1507G>A (p.Gly503Ser)

Gene: JUP (junction plakoglobin; minus strand). Cytogenetic location: 17q21.2.
Variant type: single nucleotide variant.
Coding change: c.1507G>A on transcript NM_002230.4 (MANE Select); coding-DNA position 1507, G replaced by A.
Protein change: p.Gly503Ser; replaces glycine 503 with serine.
Molecular consequence: missense variant.
Genome position (GRCh38, 1-based): chr17:41,758,861, C>T on the plus strand (G>A on the coding strand, the complement: JUP is on the minus strand). VCF-style: chr17-41758861-C-T. GRCh37 (hg19) VCF-style: chr17-39915113-C-T.
Other names: c.1507G>A (NM_021991.2); c.1507G>A, p.Gly503Ser (NM_001352773.2, NM_001352774.2, NM_001352775.2 and 3 more transcripts); short protein forms G503S.
Identifiers: ClinVar variation 468745 (VCV000468745.23), dbSNP rs376051686, ClinGen allele CA8565194.

ClinVar aggregate classification (germline): Conflicting classifications of pathogenicity. Review status: criteria provided, conflicting classifications (1 of 4 stars). 9 submissions from 9 submitters: Uncertain significance (3); Likely benign (3). 3 of the submissions do not count toward it. Last evaluated 2026-08-01.

Conditions:
Cardiovascular phenotype. Identifiers: MedGen CN230736.
Arrhythmogenic right ventricular dysplasia 12. Also called: ARRHYTHMOGENIC RIGHT VENTRICULAR DYSPLASIA, FAMILIAL, 12. Identifiers: MedGen C1969081, MONDO:0012684, OMIM 611528.
Naxos disease (NXD). Also called: KERATOSIS PALMOPLANTARIS WITH ARRHYTHMOGENIC CARDIOMYOPATHY; MAL DE NAXOS; CARDIOMYOPATHY, ARRHYTHMOGENIC RIGHT VENTRICULAR, WITH SKIN, HAIR, AND NAIL ABNORMALITIES; PALMOPLANTAR KERATODERMA WITH ARRHYTHMOGENIC RIGHT VENTRICULAR CARDIOMYOPATHY AND WOOLLY HAIR; WOOLLY HAIR, PALMOPLANTAR KERATODERMA, AND CARDIAC ABNORMALITIES. Identifiers: Orphanet 34217, MedGen C1832600, MONDO:0011017, OMIM 601214.
Left ventricular noncompaction. Identifiers: Orphanet 54260, MedGen C1960469, MONDO:0018901, HP:0030682.

Allele frequency attached by ClinVar (database versions not stated): gnomAD exomes 0.00009; ESP Exome Variant Server 0.00015; ExAC 0.00017; gnomAD 0.00021 and 0.00023; TOPMed 0.00023; 1000 Genomes Project 0.00060; 1000 Genomes Project 30x 0.00078.
gnomAD v4.1: 89 of 1,606,480 alleles (0.0055%); highest among the groups gnomAD compares: African/African-American, 0.067%; no homozygotes.

Submissions (9):

CeGaT Center for Human Genetics Tuebingen
Classification: Uncertain significance. Last evaluated: 2026-08-01. Review status: criteria provided, single submitter. Criteria: CeGaT Center For Human Genetics Tuebingen Variant Classification Criteria Version 2. Collection method: clinical testing. Allele origin: germline. Affected: yes. Observed: 1 variant allele.

Labcorp Genetics (formerly Invitae), Labcorp
Classification: Likely benign for Arrhythmogenic right ventricular dysplasia 12; Naxos disease. Last evaluated: 2026-01-08. Review status: criteria provided, single submitter. Criteria: Invitae Variant Classification Sherloc (09022015). Collection method: clinical testing. Allele origin: germline.

Women's Health and Genetics/Laboratory Corporation of America, LabCorp
Classification: Likely benign. Last evaluated: 2023-05-08. Review status: criteria provided, single submitter. Criteria: LabCorp Variant Classification Summary - May 2015. Collection method: clinical testing. Allele origin: germline.
Comment: Variant summary: JUP c.1507G>A (p.Gly503Ser) results in a non-conservative amino acid change in the encoded protein sequence. Five of five in-silico tools predict a damaging effect of the variant on protein function. The variant allele was found at a frequency of 9.3e-05 in 247534 control chromosomes. The observed variant frequency is approximately 14.87 fold of the estimated maximal expected allele frequency for a pathogenic variant in JUP causing Arrhythmogenic Right Ventricular Dysplasia/Cardiomyopathy phenotype (6.3e-06), strongly suggesting that the variant is benign. To our knowledge, no occurrence of c.1507G>A in individuals affected with Arrhythmogenic Right Ventricular Dysplasia/Cardiomyopathy and no experimental evidence demonstrating its impact on protein function have been reported. Four clinical diagnostic laboratories have submitted clinical-significance assessments for this variant to ClinVar after 2014 without evidence for independent evaluation. Two submitters classified the variant as VUS while two classified as likely benign. Based on the evidence outlined above, the variant was classified as likely benign.

GeneDx
Classification: Uncertain significance. Last evaluated: 2022-12-20. Review status: criteria provided, single submitter. Criteria: GeneDx Variant Classification Process June 2021. Collection method: clinical testing. Allele origin: germline. Affected: yes.
Comment: Has not been previously published as pathogenic or benign to our knowledge; In silico analysis supports that this missense variant has a deleterious effect on protein structure/function

Ambry Genetics
Classification: Likely benign for Cardiovascular phenotype. Last evaluated: 2022-10-18. Review status: criteria provided, single submitter. Criteria: Ambry Variant Classification Scheme 2023. Collection method: clinical testing. Allele origin: germline.

Molecular Diagnostic Laboratory for Inherited Cardiovascular Disease, Montreal Heart Institute
Classification: Uncertain significance for Left ventricular noncompaction. Last evaluated: 2017-07-26. Review status: criteria provided, single submitter. Criteria: ACMG Guidelines, 2015. Collection method: clinical testing. Allele origin: germline. Affected: yes.

Clinical Genetics DNA and cytogenetics Diagnostics Lab, Erasmus MC, Erasmus Medical Center
Classification: Uncertain significance. Review status: no assertion criteria provided. Collection method: clinical testing. Allele origin: germline. Affected: yes. Study: VKGL Data-share Consensus. Not counted in ClinVar's aggregate classification.

Clinical Genetics, Academic Medical Center
Classification: Uncertain significance. Review status: no assertion criteria provided. Collection method: clinical testing. Allele origin: germline. Affected: yes. Study: VKGL Data-share Consensus. Not counted in ClinVar's aggregate classification.

Diagnostic Laboratory, Department of Genetics, University Medical Center Groningen
Classification: Uncertain significance. Review status: no assertion criteria provided. Collection method: clinical testing. Allele origin: germline. Affected: yes. Study: VKGL Data-share Consensus. Not counted in ClinVar's aggregate classification.